The following is an entry in ClinVar:

ClinVar aggregate classification (germline): Uncertain significance (1 of 4 stars; one submission).

Allele frequency attached by ClinVar (database versions not stated): gnomAD exomes below 0.00001; TOPMed 0.00001; gnomAD 0.00003.
gnomAD v4.1: 7 of 1,613,932 alleles (0.00043%); highest among the groups gnomAD compares: Admixed American, 0.012%; no homozygotes.

Submission:

GeneDx
Classification: Uncertain significance. Last evaluated: 2023-05-03. Review status: criteria provided, single submitter. Criteria: GeneDx Variant Classification Process June 2021. Collection method: clinical testing. Allele origin: germline. Affected: yes.
Comment: Not observed at significant frequency in large population cohorts (gnomAD); In silico analysis supports that this missense variant does not alter protein structure/function; Has not been previously published as pathogenic or benign to our knowledge

NM_024757.5(EHMT1):c.1361G>T (p.Gly454Val)

Gene: EHMT1 (euchromatic histone lysine methyltransferase 1; plus strand). Cytogenetic location: 9q34.3.
Variant type: single nucleotide variant.
Coding change: c.1361G>T on transcript NM_024757.5 (MANE Select); coding-DNA position 1361, G replaced by T.
Protein change: p.Gly454Val; replaces glycine 454 with valine.
Molecular consequence: missense variant.
Genome position (GRCh38, 1-based): chr9:137,754,283, G>T. VCF-style: chr9-137754283-G-T. GRCh37 (hg19) VCF-style: chr9-140648735-G-T.
Other names: c.1361G>T, p.Gly454Val (NM_001145527.2, NM_001354611.2); c.1268G>T, p.Gly423Val (NM_001354259.2, NM_001354612.2); c.1340G>T, p.Gly447Val (NM_001354263.2); short protein forms G423V, G447V, G454V.
Identifiers: ClinVar variation 2661934 (VCV002661934.1), dbSNP rs1347786593, ClinGen allele CA375763882.